The following is an entry in ClinVar:

NM_015156.4(RCOR1):c.73GCCTCCGCCGCCGCC[3] (p.Ala34_Ser35insAlaSerAlaAlaAla)

Gene: RCOR1 (REST corepressor 1; plus strand). Cytogenetic location: 14q32.31.
Variant type: Microsatellite.
Coding change: c.73GCCTCCGCCGCCGCC[3] on transcript NM_015156.4 (MANE Select); three copies in a row of the 15-base unit GCCTCCGCCGCCGCC starting at c.73; the reference has two copies in a row; one copy, 15 bases duplicated.
Protein change: p.Ala34_Ser35insAlaSerAlaAlaAla.
Molecular consequence: inframe insertion.
Genome position (GRCh38, 1-based): chr14:102,592,974-102,592,988, GCCTCCGCCGCCGCC duplicated; duplicating any 15 consecutive bases within chr14:102,592,957-102,592,988 gives the same sequence; the position shown is the placement nearest the transcript's 3' end. VCF-style (leftmost placement, unchanged base first): chr14-102592956-T-TCCGCCTCCGCCGCCG. GRCh37 (hg19) VCF-style: chr14-103059293-T-TCCGCCTCCGCCGCCG.
Identifiers: ClinVar variation 2420186 (VCV002420186.6), dbSNP rs769670360, ClinGen allele CA488200081.

ClinVar aggregate classification (germline): Uncertain significance (1 of 4 stars; one submission).

Submission:

Labcorp Genetics (formerly Invitae), Labcorp
Classification: Uncertain significance. Last evaluated: 2021-12-24. Review status: criteria provided, single submitter. Criteria: Invitae Variant Classification Sherloc (09022015). Collection method: clinical testing. Allele origin: germline.
Comment: This variant, c.88_102dup, results in the insertion of 5 amino acid(s) of the RCOR1 protein (p.Ala30_Ala34dup), but otherwise preserves the integrity of the reading frame. The frequency data for this variant in the population databases is considered unreliable, as metrics indicate poor data quality at this position in the gnomAD database. This variant has not been reported in the literature in individuals affected with RCOR1-related conditions. Experimental studies and prediction algorithms are not available or were not evaluated, and the functional significance of this variant is currently unknown. In summary, the available evidence is currently insufficient to determine the role of this variant in disease. Therefore, it has been classified as a Variant of Uncertain Significance.